The following is an entry in ClinVar:

NM_004006.3(DMD):c.1788G>A (p.Met596Ile)

Gene: DMD (dystrophin; minus strand). Cytogenetic location: Xp21.1.
Variant type: single nucleotide variant.
Coding change: c.1788G>A on transcript NM_004006.3 (MANE Select); coding-DNA position 1788, G replaced by A.
Protein change: p.Met596Ile; replaces methionine 596 with isoleucine.
Molecular consequence: missense variant.
Genome position (GRCh38, 1-based): chrX:32,573,554, C>T on the plus strand (G>A on the coding strand, the complement: DMD is on the minus strand). VCF-style: chrX-32573554-C-T. GRCh37 (hg19) VCF-style: chrX-32591671-C-T.
Other names: c.1764G>A, p.Met588Ile (NM_000109.4); c.1776G>A, p.Met592Ile (NM_004009.3); c.1419G>A, p.Met473Ile (NM_004010.3); short protein forms M473I, M588I, M592I, M596I.
Identifiers: ClinVar variation 970497 (VCV000970497.12), dbSNP rs2052669244, ClinGen allele CA412673114.

ClinVar aggregate classification (germline): Uncertain significance. Review status: criteria provided, multiple submitters, no conflicts (2 of 4 stars). 4 submissions from 4 submitters: Uncertain significance (3). 1 of the submissions does not count toward it. Last evaluated 2026-09-13.

Conditions:
Duchenne muscular dystrophy (DMD). Also called: MUSCULAR DYSTROPHY, PSEUDOHYPERTROPHIC PROGRESSIVE, DUCHENNE TYPE; Duchenne Muscular Dystrophy (DMD). Identifiers: Orphanet 98896, MedGen C0013264, MONDO:0010679, OMIM 310200.
Cardiovascular phenotype. Identifiers: MedGen CN230736.
Becker muscular dystrophy (BMD). Also called: MUSCULAR DYSTROPHY, PSEUDOHYPERTROPHIC PROGRESSIVE, BECKER TYPE; Becker Muscular Dystrophy (BMD). Identifiers: Orphanet 98895, MedGen C0917713, MONDO:0010311, OMIM 300376.
Dilated cardiomyopathy 3B (CMD3B). Also called: CMD3B: DMD-Related Dilated Cardiomyopathy; CARDIOMYOPATHY, DILATED, X-LINKED; DMD-Associated Dilated Cardiomyopathy. Identifiers: Orphanet 154, MedGen C3668940, MONDO:0010542, OMIM 302045.
Dystrophin deficiency.
Cardiomyopathy (CMYO). Also called: Cardiomyopathies. Identifiers: Orphanet 167848, MedGen C0878544, MONDO:0004994, HP:0001638. Inheritance: Various modes of inheritance.

Allele frequency attached by ClinVar (database versions not stated): gnomAD exomes below 0.00001; TOPMed below 0.00001.
gnomAD v4.1: 1 of 1,211,270 alleles (0.000083%); highest among the groups gnomAD compares: Non-Finnish European, 0.00011%; no homozygotes.

Submissions (4):

Ambry Genetics
Classification: Uncertain significance for Cardiovascular phenotype. Last evaluated: 2026-09-13. Review status: criteria provided, single submitter. Criteria: Ambry Variant Classification Scheme 2023. Collection method: clinical testing. Allele origin: germline.
Comment: The p.M596I variant (also known as c.1788G>A), located in coding exon 15 of the DMD gene, results from a G to A substitution at nucleotide position 1788. The methionine at codon 596 is replaced by isoleucine, an amino acid with highly similar properties. This amino acid position is conserved. In addition, this alteration is predicted to be tolerated by in silico analysis. Based on the available evidence, the clinical significance of this variant remains unclear.

Labcorp Genetics (formerly Invitae), Labcorp
Classification: Uncertain significance for Duchenne muscular dystrophy. Last evaluated: 2023-12-15. Review status: criteria provided, single submitter. Criteria: Invitae Variant Classification Sherloc (09022015). Collection method: clinical testing. Allele origin: germline.
Comment: This sequence change replaces methionine, which is neutral and non-polar, with isoleucine, which is neutral and non-polar, at codon 596 of the DMD protein (p.Met596Ile). This variant is not present in population databases (gnomAD no frequency). This variant has not been reported in the literature in individuals affected with DMD-related conditions. ClinVar contains an entry for this variant (Variation ID: 970497). Advanced modeling of protein sequence and biophysical properties (such as structural, functional, and spatial information, amino acid conservation, physicochemical variation, residue mobility, and thermodynamic stability) performed at Invitae indicates that this missense variant is not expected to disrupt DMD protein function with a negative predictive value of 95%. In summary, the available evidence is currently insufficient to determine the role of this variant in disease. Therefore, it has been classified as a Variant of Uncertain Significance.

Fulgent Genetics
Classification: Uncertain significance for Becker muscular dystrophy; Dilated cardiomyopathy 3B; Duchenne muscular dystrophy. Last evaluated: 2021-08-27. Review status: criteria provided, single submitter. Criteria: ACMG Guidelines, 2015. Collection method: clinical testing. Allele origin: unknown.

Natera, Inc.
Classification: Uncertain significance for Becker muscular dystrophy; Cardiomyopathy; Duchenne muscular dystrophy; Dystrophin deficiency. Last evaluated: 2018-09-06. Review status: no assertion criteria provided. Collection method: clinical testing. Allele origin: germline. Not counted in ClinVar's aggregate classification.